The following is an entry in ClinVar:

NM_002439.5(MSH3):c.2150A>G (p.Asp717Gly)

Gene: MSH3 (mutS homolog 3; plus strand). Cytogenetic location: 5q14.1.
Variant type: single nucleotide variant.
Coding change: c.2150A>G on transcript NM_002439.5 (MANE Select); coding-DNA position 2150, A replaced by G.
Protein change: p.Asp717Gly; replaces aspartic acid 717 with glycine.
Molecular consequence: missense variant.
Genome position (GRCh38, 1-based): chr5:80,768,900, A>G. VCF-style: chr5-80768900-A-G. GRCh37 (hg19) VCF-style: chr5-80064719-A-G.
Other names: short protein forms D717G.
Identifiers: ClinVar variation 3222255 (VCV003222255.2), dbSNP rs2546774249, ClinGen allele CA360279409.

ClinVar aggregate classification (germline): Uncertain significance. Review status: criteria provided, multiple submitters, no conflicts (2 of 4 stars). 2 submissions from 2 submitters: Uncertain significance (2). Last evaluated 2025-11-12.

Conditions:
Hereditary cancer-predisposing syndrome. Also called: Tumor predisposition; Hereditary neoplastic syndrome; Hereditary Cancer Syndrome; Neoplastic Syndromes, Hereditary. Identifiers: Orphanet 140162, MedGen C0027672, MeSH D009386, MONDO:0015356.

Submissions (2):

Labcorp Genetics (formerly Invitae), Labcorp
Classification: Uncertain significance. Last evaluated: 2025-11-12. Review status: criteria provided, single submitter. Criteria: Invitae Variant Classification Sherloc (09022015). Collection method: clinical testing. Allele origin: germline.
Comment: This sequence change replaces aspartic acid, which is acidic and polar, with glycine, which is neutral and non-polar, at codon 717 of the MSH3 protein (p.Asp717Gly). This variant is not present in population databases (gnomAD no frequency). This variant has not been reported in the literature in individuals affected with MSH3-related conditions. ClinVar contains an entry for this variant (Variation ID: 3222255). An algorithm developed to predict the effect of missense changes on protein structure and function (PolyPhen-2) suggests that this variant is likely to be tolerated. In summary, the available evidence is currently insufficient to determine the role of this variant in disease. Therefore, it has been classified as a Variant of Uncertain Significance.

Ambry Genetics
Classification: Uncertain significance for Hereditary cancer-predisposing syndrome. Last evaluated: 2023-10-13. Review status: criteria provided, single submitter. Criteria: Ambry Variant Classification Scheme 2023. Collection method: clinical testing. Allele origin: germline.
Comment: The p.D717G variant (also known as c.2150A>G), located in coding exon 15 of the MSH3 gene, results from an A to G substitution at nucleotide position 2150. The aspartic acid at codon 717 is replaced by glycine, an amino acid with similar properties. This amino acid position is conserved. In addition, this alteration is predicted to be tolerated by in silico analysis. Since supporting evidence is limited at this time, the clinical significance of this alteration remains unclear.